The following is an entry in ClinVar:

ClinVar aggregate classification (germline): Uncertain significance. Review status: criteria provided, single submitter (1 of 4 stars). 2 submissions from 2 submitters: Uncertain significance (1). 1 of the submissions does not count toward it. Last evaluated 2026-09-08.

Conditions:
Fabry disease. Also called: ALPHA-GALACTOSIDASE A DEFICIENCY; CERAMIDE TRIHEXOSIDASE DEFICIENCY; GLA DEFICIENCY; HEREDITARY DYSTOPIC LIPIDOSIS; Angiokeratoma corporis diffusum; Fabry's disease. Identifiers: Orphanet 324, MedGen C0002986, MONDO:0010526, OMIM 301500, HP:0001071. Disease mechanism: loss of function, Fabry disease is due to inactivating mutations in the X-linked GLA gene resulting in deficiency of the enzyme Alpha Galactosidase-A..

Submissions (2):

Genomenon, Inc
Classification: Uncertain significance for Fabry disease. Last evaluated: 2026-09-08. Review status: criteria provided, single submitter. Criteria: Genomenon Sequence Variant Interpretation Standards - Updated. Collection method: curation. Allele origin: germline. Affected: no.
Comment: GLA p.Thr158Ile (c.473C>T) is a missense variant that changes the amino acid at codon 158 from Threonine to Isoleucine. This variant has been reported in the published literature (PMID:34172776). It is absent or not present at a significant frequency in gnomAD. In silico models predict that this variant is possibly or probably damaging. In conclusion, we classify GLA p.Thr158Ile (c.473C>T) as a variant of uncertain significance.

Indian Institute of Integrative Medicine, Council of Scientific and Industrial Research
Classification: Uncertain significance for Fabry disease. Last evaluated: 2020-02-15. Review status: no assertion criteria provided. Collection method: research. Allele origin: germline. Inheritance: X-linked inheritance. Observed: 5 variant alleles. Not counted in ClinVar's aggregate classification.
Comment: This novel GLA variant (chrX:100656694:G>A; NM_000169.2:c.473C>T; NP_000160.1:p.Thr158Ile) was observed in a consanguineous family affected with end-stage renal disorder. In-silico evaluation of the variant using SIFT, PhyloPhen, Mutation taster provided the deleterious impact of the mutation and predicted to be the disease-causing in all of its coding transcripts. The pathogenic candidate mutation for chronic kidney disease (CKD) was identified in COQ8B gene, however this GLA variant could be a secondary agent involved in the complexicity of the disease. The functional experiments are needed to validate the predicted variant.

Literature cited by the submitters: PubMed 34172776 (cited by Genomenon, Inc); PMC 8233304 (cited by Indian Institute of Integrative Medicine, Council of Scientific and Industrial Research).

NM_000169.3(GLA):c.473C>T (p.Thr158Ile)

Genes: GLA (galactosidase alpha; minus strand), RPL36A-HNRNPH2 (RPL36A-HNRNPH2 readthrough; plus strand). Cytogenetic location: Xq22.1.
Variant type: single nucleotide variant.
Coding change: c.473C>T on transcript NM_000169.3 (MANE Select); coding-DNA position 473, C replaced by T.
Protein change: p.Thr158Ile; replaces threonine 158 with isoleucine.
Molecular consequence: missense variant. On other transcripts: non-coding transcript variant (3), intron variant (2).
Genome position (GRCh38, 1-based): chrX:101,401,706, G>A on the plus strand (C>T on the coding strand, the complement: GLA is on the minus strand). VCF-style: chrX-101401706-G-A. GRCh37 (hg19) VCF-style: chrX-100656694-G-A.
Other names: c.596C>T, p.Thr199Ile (NM_001406747.1, NM_001406749.1); c.473C>T, p.Thr158Ile (NM_001406748.1); c.300+6249G>A (NM_001199973.2); c.177+9884G>A (NM_001199974.2); short protein forms T158I, T199I.
Identifiers: ClinVar variation 989436 (VCV000989436.6), dbSNP rs1928321887, ClinGen allele CA413929382.